The following is an entry in ClinVar:

ClinVar aggregate classification (germline): Uncertain significance. Review status: criteria provided, multiple submitters, no conflicts (2 of 4 stars). 2 submissions from 2 submitters: Uncertain significance (2). Last evaluated 2025-12-26.

Conditions:
Inborn genetic diseases. Identifiers: MedGen C0950123, MeSH D030342.
Bethlem myopathy 1A. Also called: MYOPATHY, BENIGN CONGENITAL, WITH CONTRACTURES; Bethlem myopathy 1; Bethlem Muscular Dystrophy. Identifiers: Orphanet 610, MedGen CN029274, MONDO:0024530, OMIM 158810.

gnomAD v4.1: 3 of 1,614,086 alleles (0.00019%); highest among the groups gnomAD compares: African/African-American, 0.0027%; no homozygotes.

Submissions (2):

Ambry Genetics
Classification: Uncertain significance for Inborn genetic diseases. Last evaluated: 2025-12-26. Review status: criteria provided, single submitter. Criteria: Ambry Variant Classification Scheme 2023. Collection method: clinical testing. Allele origin: germline.

Labcorp Genetics (formerly Invitae), Labcorp
Classification: Uncertain significance for Bethlem myopathy 1A. Last evaluated: 2024-10-29. Review status: criteria provided, single submitter. Criteria: Invitae Variant Classification Sherloc (09022015). Collection method: clinical testing. Allele origin: germline.
Comment: This sequence change replaces glycine, which is neutral and non-polar, with valine, which is neutral and non-polar, at codon 720 of the COL6A3 protein (p.Gly720Val). This variant is present in population databases (rs371336750, gnomAD 0.003%). This variant has not been reported in the literature in individuals affected with COL6A3-related conditions. Invitae Evidence Modeling of protein sequence and biophysical properties (such as structural, functional, and spatial information, amino acid conservation, physicochemical variation, residue mobility, and thermodynamic stability) has been performed for this missense variant. However, the output from this modeling did not meet the statistical confidence thresholds required to predict the impact of this variant on COL6A3 protein function. In summary, the available evidence is currently insufficient to determine the role of this variant in disease. Therefore, it has been classified as a Variant of Uncertain Significance.

NM_004369.4(COL6A3):c.2159G>T (p.Gly720Val)

Gene: COL6A3 (collagen type VI alpha 3 chain; minus strand). Cytogenetic location: 2q37.3.
Variant type: single nucleotide variant.
Coding change: c.2159G>T on transcript NM_004369.4 (MANE Select); coding-DNA position 2159, G replaced by T.
Protein change: p.Gly720Val; replaces glycine 720 with valine.
Molecular consequence: missense variant. On other transcripts: intron variant (1).
Genome position (GRCh38, 1-based): chr2:237,378,974, C>A on the plus strand (G>T on the coding strand, the complement: COL6A3 is on the minus strand). VCF-style: chr2-237378974-C-A. GRCh37 (hg19) VCF-style: chr2-238287617-C-A.
Other names: c.938G>T, p.Gly313Val (NM_057164.5); c.1541G>T, p.Gly514Val (NM_057165.5, NM_057167.4); c.677-1630G>T (NM_057166.5); short protein forms G514V, G720V, G313V.
Identifiers: ClinVar variation 3704666 (VCV003704666.3).